The following is an entry in ClinVar:

ClinVar aggregate classification (germline): Pathogenic/Likely pathogenic. Review status: criteria provided, multiple submitters, no conflicts (2 of 4 stars). 2 submissions from 2 submitters: Pathogenic (1); Likely pathogenic (1). Last evaluated 2022-11-01.

Conditions:
Charcot-Marie-Tooth disease type 4. Also called: Charcot-Marie-Tooth disease, type IV; Charcot-Marie-Tooth, Type 4. Identifiers: Orphanet 64749, MedGen C4082197, MONDO:0018995.

Submissions (2):

Labcorp Genetics (formerly Invitae), Labcorp
Classification: Pathogenic. Last evaluated: 2022-11-01. Review status: criteria provided, single submitter. Criteria: Invitae Variant Classification Sherloc (09022015). Collection method: clinical testing. Allele origin: germline.
Comment: For these reasons, this variant has been classified as Pathogenic. Algorithms developed to predict the effect of sequence changes on RNA splicing suggest that this variant may disrupt the consensus splice site. ClinVar contains an entry for this variant (Variation ID: 633405). This variant has not been reported in the literature in individuals affected with SBF1-related conditions. This variant is not present in population databases (gnomAD no frequency). This sequence change creates a premature translational stop signal (p.Asp719Argfs*10) in the SBF1 gene. It is expected to result in an absent or disrupted protein product. Loss-of-function variants in SBF1 are known to be pathogenic (PMID: 28005197, 28902413).

Women's Health and Genetics/Laboratory Corporation of America, LabCorp
Classification: Likely pathogenic for Charcot-Marie-Tooth disease type 4. Last evaluated: 2018-06-13. Review status: criteria provided, single submitter. Criteria: LabCorp Variant Classification Summary - May 2015. Collection method: clinical testing. Allele origin: germline.
Comment: Variant summary: SBF1 c.2154_2155delGG (p.Asp719ArgfsTer10) results in a premature termination codon, predicted to cause a truncation of the encoded protein or absence of the protein due to nonsense mediated decay. Two truncation variants have been reported in patients with Autism and Severe axonal neuropathy with cranial nerve involvement, repectively (PMID 23160955, 28005197). Three other missense variants have been reported in patients with Charcot-Marie-Tooth disease (HGMD database). The variant was absent in 245848 control chromosomes. The available data on variant occurrences in the general population are insufficient to allow any conclusion about variant significance. To our knowledge, no occurrence of c.2154_2155delGG in individuals affected with Charcot-Marie-Tooth disease and no experimental evidence demonstrating its impact on protein function have been reported. No clinical diagnostic laboratories have submitted clinical-significance assessments for this variant to ClinVar after 2014. Based on the evidence outlined above, the variant was classified as likely pathogenic.

Literature cited by the submitters: PubMed 28005197 (cited by Labcorp Genetics (formerly Invitae), Labcorp); PubMed 28902413 (cited by Labcorp Genetics (formerly Invitae), Labcorp).

NM_002972.4(SBF1):c.2154_2155del (p.Asp719fs)

Gene: SBF1 (SET binding factor 1; minus strand). Cytogenetic location: 22q13.33.
Variant type: Deletion.
Coding change: c.2154_2155del on transcript NM_002972.4 (MANE Select); coding-DNA positions 2154 to 2155, 2 bases deleted (GG; older notation c.2154_2155delGG).
Protein change: p.Asp719fs; shifts the reading frame from aspartic acid 719.
Molecular consequence: frameshift variant.
Genome position (GRCh38, 1-based): chr22:50,462,446-50,462,447, CC deleted on the plus strand (GG on the coding strand, the reverse complement: SBF1 is on the minus strand). VCF-style (leftmost placement, unchanged base first): chr22-50462445-TCC-T. GRCh37 (hg19) VCF-style: chr22-50900874-TCC-T.
Other names: c.2157_2158del, p.Asp720fs (NM_001365819.1); short protein forms D719fs, D720fs.
Identifiers: ClinVar variation 633405 (VCV000633405.6), dbSNP rs1569512576, ClinGen allele CA913190726.